The following is an entry in ClinVar:

NM_005609.4(PYGM):c.2056G>A (p.Gly686Arg)

Gene: PYGM (glycogen phosphorylase, muscle associated; minus strand). Cytogenetic location: 11q13.1.
Variant type: single nucleotide variant.
Coding change: c.2056G>A on transcript NM_005609.4 (MANE Select); coding-DNA position 2056, G replaced by A.
Protein change: p.Gly686Arg; replaces glycine 686 with arginine.
Molecular consequence: missense variant.
Genome position (GRCh38, 1-based): chr11:64,750,497, C>T on the plus strand (G>A on the coding strand, the complement: PYGM is on the minus strand). VCF-style: chr11-64750497-C-T. GRCh37 (hg19) VCF-style: chr11-64517969-C-T.
Other names: G685R; c.1792G>A, p.Gly598Arg (NM_001164716.1); short protein forms G598R, G686R.
Identifiers: ClinVar variation 2306 (VCV000002306.58), dbSNP rs144081869, ClinGen allele CA252204.

ClinVar aggregate classification (germline): Pathogenic/Likely pathogenic. Review status: criteria provided, multiple submitters, no conflicts (2 of 4 stars). 10 submissions from 10 submitters: Pathogenic (6); Likely pathogenic (1). 3 of the submissions do not count toward it. Last evaluated 2026-03-25.

Conditions:
PYGM-related disorder. Also called: PYGM-related condition.
Tip-toe gait. Also called: Toe walking. Identifiers: MedGen C0427144, HP:0030051.
Glycogen storage disease, type V (GSD5). Also called: MCARDLE DISEASE; MUSCLE GLYCOGEN PHOSPHORYLASE DEFICIENCY; MYOPHOSPHORYLASE DEFICIENCY; PYGM DEFICIENCY; McArdle type glycogen storage disease. Identifiers: Orphanet 368, MedGen C0017924, MONDO:0009293, OMIM 232600.

Allele frequency attached by ClinVar (database versions not stated): ExAC 0.00002; TOPMed 0.00002; gnomAD exomes 0.00003 and 0.00005; gnomAD 0.00006 and 0.00007; ESP Exome Variant Server 0.00015.

Submissions (10):

GeneDx
Classification: Pathogenic. Last evaluated: 2026-03-25. Review status: criteria provided, single submitter. Criteria: GeneDx Variant Classification Process June 2021. Collection method: clinical testing. Allele origin: germline.
Comment: Not observed at significant frequency in large population cohorts (gnomAD); In silico analysis supports that this missense variant has a deleterious effect on protein structure/function; Also known as p.(G685R); This variant is associated with the following publications: (PMID: 9506549, 25740218, 17217859, 31179311, 32075227, 34534370, 37091313, 39375813, 41764759, 29350794, 33234167, 17404776, 27303362, 30560358)

Labcorp Genetics (formerly Invitae), Labcorp
Classification: Pathogenic for Glycogen storage disease, type V. Last evaluated: 2026-01-09. Review status: criteria provided, single submitter. Criteria: Invitae Variant Classification Sherloc (09022015). Collection method: clinical testing. Allele origin: germline.
Comment: This sequence change replaces glycine, which is neutral and non-polar, with arginine, which is basic and polar, at codon 686 of the PYGM protein (p.Gly686Arg). This variant is present in population databases (rs144081869, gnomAD 0.009%). This missense change has been observed in individual(s) with glycogen storage disease type V (PMID: 9506549, 17404776). In at least one individual the data is consistent with being in trans (on the opposite chromosome) from a pathogenic variant. This variant is also known as p.Gly685Arg. ClinVar contains an entry for this variant (Variation ID: 2306). Invitae Evidence Modeling of protein sequence and biophysical properties (such as structural, functional, and spatial information, amino acid conservation, physicochemical variation, residue mobility, and thermodynamic stability) indicates that this missense variant is expected to disrupt PYGM protein function with a positive predictive value of 95%. For these reasons, this variant has been classified as Pathogenic.

Natera, Inc.
Classification: Pathogenic for Glycogen storage disease V. Last evaluated: 2025-11-06. Review status: criteria provided, single submitter. Criteria: Natera Variant Classification Schema (03/2026). Collection method: clinical testing. Allele origin: germline.
Comment: The c.2056G>A variant in PYGM is a missense variant predicted to cause substitution of glycine to arginine at amino acid 686. This variant is rare in the general population with a frequency below the threshold expected for the associated phenotype(s). This variant has been observed in one or more individuals affected with the associated recessive disease, as either homozygous or compound heterozygous with a second variant (PMID: 9506549, 17404776, 34534370, 39375813, 31044384). Additionally, this variant has been observed to segregate in affected family members (PMID: 9506549, 17404776). Computational prediction algorithms indicate this variant is likely to affect gene or protein function. Given the available evidence, this variant is classified as Pathogenic.

CeGaT Center for Human Genetics Tuebingen
Classification: Pathogenic. Last evaluated: 2025-06-01. Review status: criteria provided, single submitter. Criteria: CeGaT Center For Human Genetics Tuebingen Variant Classification Criteria Version 2. Collection method: clinical testing. Allele origin: germline. Affected: yes. Observed: 5 variant alleles.
Comment: PYGM: PM3:Very Strong, PM1, PM2, PP3

Fulgent Genetics
Classification: Likely pathogenic for Glycogen storage disease, type V. Last evaluated: 2024-05-02. Review status: criteria provided, single submitter. Criteria: ACMG Guidelines, 2015. Collection method: clinical testing. Allele origin: germline.

Baylor Genetics
Classification: Pathogenic for Glycogen storage disease, type V. Last evaluated: 2024-03-30. Review status: criteria provided, single submitter. Criteria: ACMG Guidelines, 2015. Collection method: clinical testing. Allele origin: unknown.

PreventionGenetics, part of Exact Sciences
Classification: Pathogenic for PYGM-related condition. Last evaluated: 2023-03-16. Review status: criteria provided, single submitter. Criteria: ACMG Guidelines, 2015. Collection method: clinical testing. Allele origin: germline.
Comment: The PYGM c.2056G>A variant is predicted to result in the amino acid substitution p.Gly686Arg. This variant has been reported in the compound heterozygous state with a second causative PYGM variant in several patients with histochemically or biochemically confirmed GSD V (Vorgerd et al. 1998. PubMed ID: 9506549, referred to as p.Gly685Arg; Deschauer et al. 2007. PubMed ID: 17404776). An additional patient was identified via use of the non-ischemic forearm exercise test, and was then found to be compound heterozygous for the c.2056G>A and c.148C>T (described above) variants (Hogrel et al. 2015. PubMed ID: 25740218). We have also observed this variant at PreventionGenetics, in the homozygous or compound heterozygous state, in two patients with suspected GSD V (internal data). This variant is reported in 0.0093% of alleles in individuals of European (Non-Finnish) descent in gnomAD. This variant is interpreted as pathogenic.

Counsyl
Classification: Likely pathogenic for Glycogen storage disease, type V. Last evaluated: 2017-05-05. Review status: no assertion criteria provided. Collection method: clinical testing. Allele origin: unknown. Not counted in ClinVar's aggregate classification.

OMIM
Classification: Pathogenic for MCARDLE DISEASE. Last evaluated: 1998-03-01. Review status: no assertion criteria provided. Collection method: literature only. Allele origin: germline. Not counted in ClinVar's aggregate classification.

Practice for Gait Abnormalities, David Pomarino, Competency Network Toe Walking C/o Practice Pomarino
Classification: Likely pathogenic for Tip-toe gait. Last evaluated: 2021-04-07. Review status: flagged submission. Collection method: clinical testing. Allele origin: germline. Affected: yes. Not counted in ClinVar's aggregate classification.
Comment: Toe Walking has various causes, ranging from idiopathic or habitual reasons to an underlying neuromuscular disease. The most observed form of toe walking is idiopathic toe walking (ITW) - a diagnosis of exclusion. ITW occurs in about 5% of children after their second birthday and is a common problem in pediatric orthopedics. In about 70% of these cases, there is spontaneous remission within six months of the onset of ITW. If the toe walk persists, one can assume the presence of a non-idiopathic form of toe walk (n-ITW). In n-ITW, the causes of the abnormal gait are neurological or myogenic. Differential diagnoses such as infantile cerebral palsy, muscular dystrophy, spinal amyotrophy and hereditary motor-sensory neuropathy as well as rare metabolic disorders of the musculature must be considered (Pomarino et al., 2018). In our clinical ITW consultation, we screen children with n-ITW for a genetic form of tiptoe gait using next generation sequencing for gene variants in 49 genes. These are genes in which gene variants can lead to neuromuscular diseases in which an association with toe-tapping gait has been reported or can be suspected due to patients’ clinical symptoms. To the best of our knowledge, this is the first study in which several patients with toe walking displayed heterozygosity for pathogenic or likely pathogenic PYGM mutations and mild symptoms of the metabolic muscle disease McArdle. The findings of our research are in line with recently published observations in heterozygous family members patients with McArdle disease. We should mention that some of the patients in our cohort harbored heterozygous variants in other genes of our gene panel. However, the numbers in this study were too small to workout any resulting combined genetic effects. It is concluded that genetic conditions can contribute to the development of toe walking. Apparently, even a slight genetic weakening of the muscles can lead to changes to the gait pattern. Future studies must show how the pathomechanism can be explained for the PYGM variants and whether there are new therapeutic approaches to be developed based on this research.
ClinVar note: Notes: This gene has insufficient supporting evidence for isolated Tip-Toe Gait.
ClinVar note: Reason: Outlier claim with insufficient supporting evidence

Literature cited by the submitters: PubMed 9506549 (cited by 3 submitters); PubMed 17404776 (cited by 3 submitters); PubMed 34534370 (cited by Natera, Inc.); PubMed 39375813 (cited by Natera, Inc.); PubMed 31044384 (cited by Natera, Inc.); PubMed 25740218 (cited by Counsyl); PubMed 29881221 (cited by Practice for Gait Abnormalities, David Pomarino, Competency Network Toe Walking C/o Practice Pomarino); DOI 10.1016/j.rchot.2016.09.001 (cited by Practice for Gait Abnormalities, David Pomarino, Competency Network Toe Walking C/o Practice Pomarino); DOI 10.51793/OS.2022.25.6.010 (cited by Practice for Gait Abnormalities, David Pomarino, Competency Network Toe Walking C/o Practice Pomarino).